The following is an entry in ClinVar:

NM_004130.4(GYG1):c.844_845insG (p.Tyr282Ter)

Gene: GYG1 (glycogenin 1; plus strand). Cytogenetic location: 3q24.
Variant type: Insertion.
Coding change: c.844_845insG on transcript NM_004130.4 (MANE Select); coding-DNA positions 844 to 845, G inserted.
Protein change: p.Tyr282Ter; replaces tyrosine 282 with a stop codon.
Molecular consequence: nonsense. On other transcripts: intron variant (2).
Genome position: GRCh38 VCF-style: chr3-149026467-T-TG. GRCh37 (hg19) VCF-style: chr3-148744254-T-TG.
Other names: c.829-293_829-292insG (NM_001184720.2); c.609-293_609-292insG (NM_001184721.2); short protein forms Y282*.
Identifiers: ClinVar variation 2927980 (VCV002927980.3), dbSNP rs768834390, ClinGen allele CA2658678.
Genomic context (GRCh38, chr3:149,026,467, plus strand): 5'-TTCCCTTGCCCATCCATCTTACACTTTCTAATGAACTGTTTGCAGCTTTCAGACTTGGTC[T>TG]ATACACTGGCTTTCTCTTGTGGCTTCTGTAGAAAGGTATGCAGAACTTAAAGATTAACCC-3'

ClinVar aggregate classification (germline): Pathogenic (1 of 4 stars; one submission).

Conditions:
Glycogen storage disease XV (GSD15). Also called: GLYCOGENIN DEFICIENCY; GSD XV. Identifiers: Orphanet 263297, MedGen C3150754, MONDO:0013291, OMIM 613507.
Polyglucosan body myopathy type 2. Identifiers: Orphanet 456369, MedGen C4015452, MONDO:0014526, OMIM 616199.

Allele frequency attached by ClinVar (database versions not stated): TOPMed 0.00001; gnomAD exomes below 0.00001; ExAC 0.00001; gnomAD 0.00001; ESP Exome Variant Server 0.00008.

Submission:

Labcorp Genetics (formerly Invitae), Labcorp
Classification: Pathogenic for Polyglucosan body myopathy type 2; Glycogen storage disease XV. Last evaluated: 2025-06-30. Review status: criteria provided, single submitter. Criteria: Invitae Variant Classification Sherloc (09022015). Collection method: clinical testing. Allele origin: germline.
Comment: This sequence change creates a premature translational stop signal (p.Tyr282*) in the GYG1 gene. While this is not anticipated to result in nonsense mediated decay, it is expected to disrupt the last 69 amino acid(s) of the GYG1 protein. This variant is present in population databases (rs768834390, gnomAD 0.002%). This variant has not been reported in the literature in individuals affected with GYG1-related conditions. ClinVar contains an entry for this variant (Variation ID: 2927980). This variant disrupts a region of the GYG1 protein in which other variant(s) (p.Tyr332*) have been determined to be pathogenic (PMID: 29264399). This suggests that this is a clinically significant region of the protein, and that variants that disrupt it are likely to be disease-causing. For these reasons, this variant has been classified as Pathogenic.

Literature cited by the submitters: PubMed 29264399.